The following is an entry in ClinVar:

ClinVar aggregate classification (germline): Uncertain significance (1 of 4 stars; one submission).

Submission:

GeneDx
Classification: Uncertain significance. Last evaluated: 2023-10-23. Review status: criteria provided, single submitter. Criteria: GeneDx Variant Classification Process June 2021. Collection method: clinical testing. Allele origin: germline. Affected: yes.
Comment: Not observed at significant frequency in large population cohorts (gnomAD); In-frame deletion of 1 amino acids in a non-repeat region; In silico analysis supports a deleterious effect on protein structure/function; Has not been previously published as pathogenic or benign to our knowledge

NM_001375380.1(EBF3):c.46_48del (p.Lys16del)

Gene: EBF3 (EBF transcription factor 3; minus strand). Cytogenetic location: 10q26.3.
Variant type: Deletion.
Coding change: c.46_48del on transcript NM_001375380.1 (MANE Select); coding-DNA positions 46 to 48, 3 bases deleted (AAG; older notation c.46_48delAAG).
Protein change: p.Lys16del; deletes lysine 16.
Molecular consequence: inframe deletion.
Genome position (GRCh38, 1-based): chr10:129,963,721-129,963,723, CTT deleted on the plus strand (AAG on the coding strand, the reverse complement: EBF3 is on the minus strand); deleting any 3 consecutive bases within chr10:129,963,721-129,963,724 gives the same sequence; the c. name uses the placement nearest the transcript's 3' end. VCF-style (leftmost placement, unchanged base first): chr10-129963720-CCTT-C. GRCh37 (hg19) VCF-style: chr10-131761984-CCTT-C.
Other names: c.46_48del, p.Lys16del (NM_001005463.3, NM_001375379.1, NM_001375389.1 and 3 more transcripts); short protein forms K16del.
Identifiers: ClinVar variation 2578159 (VCV002578159.2), dbSNP rs2493685825, ClinGen allele CA2580617659.